The following is an entry in ClinVar:

NM_000264.5(PTCH1):c.1504-3T>C

Gene: PTCH1 (patched 1; minus strand). Cytogenetic location: 9q22.32.
Variant type: single nucleotide variant.
Coding change: c.1504-3T>C on transcript NM_000264.5 (MANE Select); 3 bases into the intron before coding-DNA position 1504, T replaced by C.
Molecular consequence: intron variant.
Genome position (GRCh38, 1-based): chr9:95,476,860, A>G on the plus strand (T>C on the coding strand, the complement: PTCH1 is on the minus strand). VCF-style: chr9-95476860-A-G. GRCh37 (hg19) VCF-style: chr9-98239142-A-G.
Other names: c.1501-3T>C (NM_001083603.3); c.1306-3T>C (NM_001083602.3); c.1348-3T>C (NM_001354918.2); c.1051-3T>C (NM_001083605.3, NM_001083604.3, NM_001083606.3 and 1 more transcripts).
Identifiers: ClinVar variation 682409 (VCV000682409.4), dbSNP rs1588598721, ClinGen allele CA915947058.

ClinVar aggregate classification (germline): Conflicting classifications of pathogenicity. Review status: criteria provided, conflicting classifications (1 of 4 stars). 2 submissions from 2 submitters: Uncertain significance (1); Likely benign (1). Last evaluated 2023-09-17.

Conditions:
Gorlin syndrome. Also called: Nevoid Basal Cell Carcinoma Syndrome; Basal cell nevus syndrome. Identifiers: Orphanet 377, MedGen C0004779, MONDO:0007187.

Submissions (2):

Labcorp Genetics (formerly Invitae), Labcorp
Classification: Uncertain significance for Gorlin syndrome. Last evaluated: 2023-09-17. Review status: criteria provided, single submitter. Criteria: Invitae Variant Classification Sherloc (09022015). Collection method: clinical testing. Allele origin: germline.
Comment: This variant is not present in population databases (gnomAD no frequency). This sequence change falls in intron 10 of the PTCH1 gene. It does not directly change the encoded amino acid sequence of the PTCH1 protein. It affects a nucleotide within the consensus splice site. This variant has not been reported in the literature in individuals affected with PTCH1-related conditions. In summary, the available evidence is currently insufficient to determine the role of this variant in disease. Therefore, it has been classified as a Variant of Uncertain Significance. Variants that disrupt the consensus splice site are a relatively common cause of aberrant splicing (PMID: 17576681, 9536098). Algorithms developed to predict the effect of sequence changes on RNA splicing suggest that this variant is not likely to affect RNA splicing. ClinVar contains an entry for this variant (Variation ID: 682409).

GeneDx
Classification: Likely benign. Last evaluated: 2018-04-30. Review status: criteria provided, single submitter. Criteria: GeneDx Variant Classification (06012015). Collection method: clinical testing. Allele origin: germline. Affected: yes.
Comment: This variant is considered likely benign or benign based on one or more of the following criteria: it is a conservative change, it occurs at a poorly conserved position in the protein, it is predicted to be benign by multiple in silico algorithms, and/or has population frequency not consistent with disease.

Literature cited by the submitters: PubMed 17576681 (cited by Labcorp Genetics (formerly Invitae), Labcorp); PubMed 9536098 (cited by Labcorp Genetics (formerly Invitae), Labcorp).